The following is an entry in ClinVar:

ClinVar aggregate classification (germline): Uncertain significance (1 of 4 stars; one submission).

Conditions:
Familial cancer of breast. Also called: Hereditary breast cancer; hereditary breast carcinoma; BREAST CANCER, FAMILIAL. Identifiers: Orphanet 227535, MedGen C0346153, MONDO:0016419, OMIM 114480. Disease mechanism: loss of function.

Submission:

Labcorp Genetics (formerly Invitae), Labcorp
Classification: Uncertain significance for Familial cancer of breast. Last evaluated: 2025-08-20. Review status: criteria provided, single submitter. Criteria: Invitae Variant Classification Sherloc (09022015). Collection method: clinical testing. Allele origin: germline.
Comment: This variant occurs in a non-coding region of the BARD1 gene. It does not change the encoded amino acid sequence of the BARD1 protein. The frequency data for this variant in the population databases is considered unreliable, as metrics indicate insufficient coverage at this position in the gnomAD database. This variant has not been reported in the literature in individuals affected with BARD1-related conditions. Experimental studies and prediction algorithms are not available or were not evaluated, and the functional significance of this variant is currently unknown. In summary, the available evidence is currently insufficient to determine the role of this variant in disease. Therefore, it has been classified as a Variant of Uncertain Significance.

NM_000465.4(BARD1):c.2165_*122dup (p.Ala721_Ter778=)

Gene: BARD1 (BRCA1 associated RING domain 1; minus strand). Cytogenetic location: 2q35.
Variant type: Duplication.
Coding change: c.2165_*122dup on transcript NM_000465.4 (MANE Select); coding-DNA position 2165 through 122 bases downstream of the stop codon, 292 bases duplicated.
Protein change: p.Ala721_Ter778=.
Molecular consequence: no sequence alteration. On other transcripts: non-coding transcript variant (3).
Genome position (GRCh38, 1-based): chr2:214,728,554-214,728,845, 292 bases duplicated. GRCh37 (hg19): chr2:215,593,280-215,593,571.
Other names: c.2108_*122dup, p.Ala702_Ter759= (NM_001282543.2); c.812_*122dup, p.Ala270_Ter327= (NM_001282545.2); c.755_*122dup, p.Ala251_Ter308= (NM_001282548.2); c.626_*122dup, p.Ala208_Ter265= (NM_001282549.2).
Identifiers: ClinVar variation 4725767 (VCV004725767.1).